The following is an entry in ClinVar:

ClinVar aggregate classification (germline): Pathogenic (1 of 4 stars; one submission).

Conditions:
Emery-Dreifuss muscular dystrophy 4, autosomal dominant (EDMD4). Also called: EMERY-DREIFUSS MUSCULAR DYSTROPHY 4 WITH VARIABLE FEATURES. Identifiers: Orphanet 261, MedGen C2751807, MONDO:0013071, OMIM 612998.
Autosomal recessive ataxia, Beauce type. Also called: Spinocerebellar ataxia, autosomal recessive 8; ATAXIA, RECESSIVE, OF BEAUCE; SYNE1 Deficiency; SYNE1-Related Autosomal Recessive Cerebellar Ataxia. Identifiers: Orphanet 88644, MedGen C1853116, MONDO:0012549, OMIM 610743.

Submission:

Labcorp Genetics (formerly Invitae), Labcorp
Classification: Pathogenic for Emery-Dreifuss muscular dystrophy 4, autosomal dominant; Autosomal recessive ataxia, Beauce type. Last evaluated: 2020-10-30. Review status: criteria provided, single submitter. Criteria: Invitae Variant Classification Sherloc (09022015). Collection method: clinical testing. Allele origin: germline.
Comment: For these reasons, this variant has been classified as Pathogenic. This variant has not been reported in the literature in individuals with SYNE1-related conditions. This variant is not present in population databases (ExAC no frequency). This sequence change creates a premature translational stop signal (p.Arg6411Aspfs*6) in the SYNE1 gene. It is expected to result in an absent or disrupted protein product. Loss-of-function variants in SYNE1 are known to be pathogenic (PMID: 19542096, 24319099, 27086870).

Literature cited by the submitters: PubMed 19542096; PubMed 24319099; PubMed 27086870.

NM_182961.4(SYNE1):c.19444del (p.Arg6482fs)

Gene: SYNE1 (spectrin repeat containing nuclear envelope protein 1; minus strand). Cytogenetic location: 6q25.2.
Variant type: Deletion.
Coding change: c.19444del on transcript NM_182961.4 (MANE Select); coding-DNA position 19444, one base deleted (A; older notation c.19444delA).
Protein change: p.Arg6482fs; shifts the reading frame from arginine 6482.
Molecular consequence: frameshift variant.
Genome position (GRCh38, 1-based): chr6:152,254,906, T deleted on the plus strand (A on the coding strand, the reverse complement: SYNE1 is on the minus strand); the first of 3 consecutive T bases (chr6:152,254,906-152,254,908); deleting any one gives the same sequence. VCF-style (leftmost placement, unchanged base first): chr6-152254905-CT-C. GRCh37 (hg19) VCF-style: chr6-152576040-CT-C.
Other names: c.19231del, p.Arg6411fs (NM_033071.5); short protein forms R6411fs, R6482fs.
Identifiers: ClinVar variation 1454510 (VCV001454510.6), dbSNP rs2153619687, ClinGen allele CA2573140666.
Genomic context (GRCh38, chr6:152,254,905, plus strand): 5'-AATGGTCACGTATCCTTTGATAATATCTTACTTACCTGGAAATTTAGTATTTGCTGAAGT[CT>C]TTCTTTCATCTGATGACATCGTTGATTCACTACTGAGTCTAGCAAGGATAACCTGCCCAA-3'